The following is an entry in ClinVar:

ClinVar aggregate classification (germline): Uncertain significance (1 of 4 stars; one submission).

Submission:

Labcorp Genetics (formerly Invitae), Labcorp
Classification: Uncertain significance. Last evaluated: 2025-06-12. Review status: criteria provided, single submitter. Criteria: Invitae Variant Classification Sherloc (09022015). Collection method: clinical testing. Allele origin: germline.
Comment: This sequence change creates a premature translational stop signal (p.Lys225*) in the HOXB13 gene. While this is not anticipated to result in nonsense mediated decay, it is expected to disrupt the last 60 amino acid(s) of the HOXB13 protein. This variant is not present in population databases (gnomAD no frequency). This variant has not been reported in the literature in individuals affected with HOXB13-related conditions. In summary, the available evidence is currently insufficient to determine the role of this variant in disease. Therefore, it has been classified as a Variant of Uncertain Significance.

NM_006361.6(HOXB13):c.673A>T (p.Lys225Ter)

Gene: HOXB13 (homeobox B13; minus strand). Cytogenetic location: 17q21.32.
Variant type: single nucleotide variant.
Coding change: c.673A>T on transcript NM_006361.6 (MANE Select); coding-DNA position 673, A replaced by T.
Protein change: p.Lys225Ter; replaces lysine 225 with a stop codon.
Molecular consequence: nonsense.
Genome position (GRCh38, 1-based): chr17:48,726,972, T>A on the plus strand (A>T on the coding strand, the complement: HOXB13 is on the minus strand). VCF-style: chr17-48726972-T-A. GRCh37 (hg19) VCF-style: chr17-46804334-T-A.
Other names: short protein forms K225*.
Identifiers: ClinVar variation 4714571 (VCV004714571.1).